The following is an entry in ClinVar:

ClinVar aggregate classification (germline): Benign. Review status: criteria provided, multiple submitters, no conflicts (2 of 4 stars). 2 submissions from 2 submitters: Benign (2). Last evaluated 2017-04-27.

Conditions:
X-linked lymphoproliferative disease due to SH2D1A deficiency (XLP1). Also called: EBV infection severe susceptibility to; Epstein Barr virus infection familial fatal; Duncan's syndrome; DUNCAN DISEASE; IMMUNODEFICIENCY 5; IMMUNODEFICIENCY, X-LINKED PROGRESSIVE COMBINED VARIABLE. Identifiers: Orphanet 2442, Orphanet 538931, MedGen C5399825, MONDO:0024551, OMIM 308240.

Allele frequency attached by ClinVar (database versions not stated): 1000 Genomes Project 0.81404; 1000 Genomes Project 30x 0.81915; TOPMed 0.82380; gnomAD exomes 0.82732; gnomAD 0.84013.

Submissions (2):

Illumina Laboratory Services, Illumina
Classification: Benign for X-linked lymphoproliferative disease due to SH2D1A deficiency. Last evaluated: 2017-04-27. Review status: criteria provided, single submitter. Criteria: ICSL Variant Classification Criteria 13 December 2019. Collection method: clinical testing. Allele origin: germline.
Comment: This variant was observed as part of a predisposition screen in an ostensibly healthy population. A literature search was performed for the gene, cDNA change, and amino acid change (where applicable). No publications were found based on this search. Allele frequency data from public databases was too high to be consistent with this variant causing disease. Therefore, this variant is classified as benign.

Breakthrough Genomics
Classification: Benign. Review status: criteria provided, single submitter. Criteria: ACMG Guidelines, 2015. Collection method: not provided. Allele origin: germline. Inheritance: X-linked inheritance. Affected: yes.

NM_002351.5(SH2D1A):c.*863T>A

Gene: SH2D1A (SH2 domain containing 1A; plus strand). Cytogenetic location: Xq25.
Variant type: single nucleotide variant.
Coding change: c.*863T>A on transcript NM_002351.5 (MANE Select); 863 bases downstream of the stop codon, T replaced by A.
Molecular consequence: 3 prime UTR variant.
Genome position (GRCh38, 1-based): chrX:124,372,254, T>A. VCF-style: chrX-124372254-T-A. GRCh37 (hg19) VCF-style: chrX-123506104-T-A.
Other names: c.*863T>A (NM_001114937.3).
Identifiers: ClinVar variation 367882 (VCV000367882.6), dbSNP rs7876065, ClinGen allele CA10653778.